The following is an entry in ClinVar:

NM_015512.5(DNAH1):c.2871+1G>C

Gene: DNAH1 (dynein axonemal heavy chain 1; plus strand). Cytogenetic location: 3p21.1.
Variant type: single nucleotide variant.
Coding change: c.2871+1G>C on transcript NM_015512.5 (MANE Select); the canonical splice donor site of the intron after coding-DNA position 2871, G replaced by C.
Molecular consequence: splice donor variant.
Genome position (GRCh38, 1-based): chr3:52,352,104, G>C. VCF-style: chr3-52352104-G-C. GRCh37 (hg19) VCF-style: chr3-52386120-G-C.
Identifiers: ClinVar variation 5019097 (VCV005019097.2).

ClinVar aggregate classification (germline): Likely pathogenic (1 of 4 stars; one submission).

Conditions:
Ciliary dyskinesia, primary, 37 (CILD37). Also called: CILIARY DYSKINESIA, PRIMARY, 37, WITH OR WITHOUT SITUS INVERSUS. Identifiers: MedGen C4539798, MONDO:0033204, OMIM 617577.
Spermatogenic failure 18. Identifiers: MedGen C4539783, MONDO:0054615, OMIM 617576.

Submission:

Juno Genomics, Hangzhou Juno Genomics, Inc
Classification: Likely pathogenic for Spermatogenic failure 18; Ciliary dyskinesia, primary, 37. Review status: criteria provided, single submitter. Criteria: ACMG Guidelines, 2015. Collection method: clinical testing. Allele origin: germline.
Comment: Absent from controls (or at extremely low frequency if recessive) in Genome Aggregation Database.;Null variant in a gene where loss of function (LOF) is a known mechanism of disease.